The following is an entry in ClinVar:

GRCh38/hg38 15q13.2-13.3(chr15:30361674-32343758)x3

Genes: ARHGAP11B (Rho GTPase activating protein 11B), ARHGAP11B-DT (ARHGAP11B divergent transcript), CHRFAM7A (CHRNA7 (exons 5-10) and FAM7A (exons A-E) fusion; minus strand), CHRNA7 (cholinergic receptor nicotinic alpha 7 subunit), FAN1 (FANCD2 and FANCI associated nuclease 1; plus strand) and 32 more. Cytogenetic location: 15q13.2-13.3.
Variant type: copy number gain.
Change: copy number 3 (three copies instead of two) of chr15:30,361,674-32,343,758 (1.98 Mb, GRCh38 coordinates, 1-based), cytogenetic band 15q13.2-13.3.
Identifiers: ClinVar variation 57604 (VCV000057604.1).

ClinVar aggregate classification (germline): Uncertain significance (1 of 4 stars; one submission).

Submission:

ISCA site 4
Classification: Uncertain significance. Last evaluated: 2011-08-12. Review status: criteria provided, single submitter. Criteria: Kaminsky et al. (Genet Med. 2011). Collection method: clinical testing. Allele origin: unknown. Affected: yes. Observed: 1 variant allele.
Comment: Copy number variation identified through the course of routine clinical cytogenomic testing in postnatal populations. Clinical assertions have been curated as described in Kaminsky et al. 2011.